The following is an entry in ClinVar:

ClinVar aggregate classification (germline): Benign (1 of 4 stars; one submission).

Allele frequency attached by ClinVar (database versions not stated): 1000 Genomes Project 0.50339; 1000 Genomes Project 30x 0.50906; gnomAD exomes 0.51852; gnomAD 0.55773; TOPMed 0.56173.
gnomAD v4.1: 84,727 of 152,160 alleles (56%); highest among the groups gnomAD compares: Middle Eastern, 64%; 24,054 homozygotes.

Submission:

Unidad de Genómica Garrahan, Hospital de Pediatría Garrahan
Classification: Benign. Last evaluated: 2024-07-15. Review status: criteria provided, single submitter. Criteria: ACMG Guidelines, 2015. Collection method: clinical testing. Allele origin: germline. Affected: no. Observed: 68 variant alleles.
Comment: This variant is classified as Benign based on local population frequency. This variant was detected in 73% of patients studied in a panel designed for Epileptic and Developmental Encephalopathy and Progressive Myoclonus Epilepsy. Number of patients: 68. Only high quality variants are reported.

NM_001040142.2(SCN2A):c.1672-2888T>C

Gene: SCN2A (sodium voltage-gated channel alpha subunit 2; plus strand). Cytogenetic location: 2q24.3.
Variant type: single nucleotide variant.
Coding change: c.1672-2888T>C on transcript NM_001040142.2 (MANE Select); 2888 bases into the intron before coding-DNA position 1672, T replaced by C.
Molecular consequence: intron variant.
Genome position (GRCh38, 1-based): chr2:165,320,268, T>C. VCF-style: chr2-165320268-T-C. GRCh37 (hg19) VCF-style: chr2-166176778-T-C.
Other names: c.1672-2888T>C (NM_001040143.2, NM_001371246.1, NM_001371247.1 and 1 more transcripts).
Identifiers: ClinVar variation 3255242 (VCV003255242.2), dbSNP rs12692763.
Genomic context (GRCh38, chr2:165,320,268, plus strand): 5'-TGATCTCCTTTGACTCCATGTCTCACATCCAGGTTACGCTGATGCAAGAGGTGGGTTCCC[T>C]TGGTCTTCAGCAGCTCCACCCCTGTCACTTTGCAGGGTACAGCTTCCCTCCTGACTACTT-3'